The following is an entry in ClinVar:

ClinVar aggregate classification (germline): Uncertain significance (1 of 4 stars; one submission).

Conditions:
Combined immunodeficiency due to LRBA deficiency. Also called: Common variable immunodeficiency 8, with autoimmunity. Identifiers: Orphanet 445018, MedGen C3553512, MONDO:0013863, OMIM 614700.

Allele frequency attached by ClinVar (database versions not stated): gnomAD exomes below 0.00001; TOPMed below 0.00001; gnomAD 0.00001.
gnomAD v4.1: 2 of 1,602,674 alleles (0.00012%); highest among the groups gnomAD compares: Non-Finnish European, 0.00017%; no homozygotes.

Submission:

Labcorp Genetics (formerly Invitae), Labcorp
Classification: Uncertain significance for Combined immunodeficiency due to LRBA deficiency. Last evaluated: 2023-10-13. Review status: criteria provided, single submitter. Criteria: Invitae Variant Classification Sherloc (09022015). Collection method: clinical testing. Allele origin: germline.
Comment: This sequence change replaces asparagine, which is neutral and polar, with aspartic acid, which is acidic and polar, at codon 2376 of the LRBA protein (p.Asn2376Asp). This variant is not present in population databases (gnomAD no frequency). This variant has not been reported in the literature in individuals affected with LRBA-related conditions. ClinVar contains an entry for this variant (Variation ID: 1472024). Advanced modeling of protein sequence and biophysical properties (such as structural, functional, and spatial information, amino acid conservation, physicochemical variation, residue mobility, and thermodynamic stability) performed at Invitae indicates that this missense variant is not expected to disrupt LRBA protein function. In summary, the available evidence is currently insufficient to determine the role of this variant in disease. Therefore, it has been classified as a Variant of Uncertain Significance.

NM_001364905.1(LRBA):c.7093A>G (p.Asn2365Asp)

Gene: LRBA (LPS responsive beige-like anchor protein; minus strand). Cytogenetic location: 4q31.3.
Variant type: single nucleotide variant.
Coding change: c.7093A>G on transcript NM_001364905.1 (MANE Select); coding-DNA position 7093, A replaced by G.
Protein change: p.Asn2365Asp; replaces asparagine 2365 with aspartic acid.
Molecular consequence: missense variant.
Genome position (GRCh38, 1-based): chr4:150,415,539, T>C on the plus strand (A>G on the coding strand, the complement: LRBA is on the minus strand). VCF-style: chr4-150415539-T-C. GRCh37 (hg19) VCF-style: chr4-151336691-T-C.
Other names: c.7093A>G, p.Asn2365Asp (NM_001199282.3, NM_001367550.1); c.7126A>G, p.Asn2376Asp (NM_006726.5); short protein forms N2376D, N2365D.
Identifiers: ClinVar variation 1472024 (VCV001472024.6), dbSNP rs1277180228, ClinGen allele CA358604460.